The following is an entry in ClinVar:

ClinVar aggregate classification (germline): Likely benign (1 of 4 stars; one submission).

Conditions:
GPR68-related disorder. Also called: GPR68-related condition.

Submission:

PreventionGenetics, part of Exact Sciences
Classification: Likely benign for GPR68-related condition. Last evaluated: 2026-01-27. Review status: criteria provided, single submitter. Criteria: ACMG Guidelines, 2015. Collection method: clinical testing. Allele origin: germline.
Comment: This variant is classified as likely benign based on ACMG/AMP sequence variant interpretation guidelines (Richards et al. 2015 PMID: 25741868, with internal and published modifications).

NM_001177676.2(GPR68):c.714G>C (p.Leu238=)

Gene: GPR68 (G protein-coupled receptor 68; minus strand). Cytogenetic location: 14q32.11.
Variant type: single nucleotide variant.
Coding change: c.714G>C on transcript NM_001177676.2 (MANE Select); coding-DNA position 714, G replaced by C.
Protein change: p.Leu238=; no amino-acid change (leucine 238 retained).
Molecular consequence: synonymous variant.
Genome position (GRCh38, 1-based): chr14:91,234,337, C>G on the plus strand (G>C on the coding strand, the complement: GPR68 is on the minus strand). VCF-style: chr14-91234337-C-G. GRCh37 (hg19) VCF-style: chr14-91700681-C-G.
Other names: c.714G>C, p.Leu238= (NM_001348437.1, NM_003485.3).
Identifiers: ClinVar variation 4980529 (VCV004980529.1).
Genomic context (GRCh38, chr14:91,234,337, plus strand): 5'-GCAGCTGGCCTCCCAGACGCTGCGCACCAGCAGCAACACGTGGTAGGGCAGGAAGCAGGC[C>G]AGGAAGATGACCACGGTGCTGAGCACCAGCCGCTGGATCTGGTCCTTGCGGCTCTTCTGG-3'
Protein context (NP_001171147.1, residues 228-248): RLVLSTVVIF[Leu238=]ACFLPYHVLL